The following is an entry in ClinVar:

NM_001253697.2(ERBIN):c.2968A>C (p.Thr990Pro)

Gene: ERBIN (erbb2 interacting protein; plus strand). Cytogenetic location: 5q12.3.
Variant type: single nucleotide variant.
Coding change: c.2968A>C on transcript NM_001253697.2 (MANE Select); coding-DNA position 2968, A replaced by C.
Protein change: p.Thr990Pro; replaces threonine 990 with proline.
Molecular consequence: missense variant.
Genome position (GRCh38, 1-based): chr5:66,054,286, A>C. VCF-style: chr5-66054286-A-C. GRCh37 (hg19) VCF-style: chr5-65350114-A-C.
Other names: c.2968A>C, p.Thr990Pro (NM_001006600.3, NM_001253698.2, NM_001253699.2 and 1 more transcripts); c.2956A>C, p.Thr986Pro (NM_001253701.2); short protein forms T990P, T986P.
Identifiers: ClinVar variation 2840304 (VCV002840304.3), dbSNP rs1759362464, ClinGen allele CA359868331.
Genomic context (GRCh38, chr5:66,054,286, plus strand): 5'-CAAATATATGGTCCTCCACAGTATAATATCCAATACAGTAGCAGTGCTGCAGTCAAAGAC[A>C]CTTTGTGGCACTCCAAACAAAATCCCCAAATAGACCATGCCAGTTTTCCTCCTCAGCTCC-3'
Protein context (NP_001240626.1, residues 980-1000): QYSSSAAVKD[Thr990Pro]LWHSKQNPQI

ClinVar aggregate classification (germline): Uncertain significance (1 of 4 stars; one submission).

Submission:

Labcorp Genetics (formerly Invitae), Labcorp
Classification: Uncertain significance. Last evaluated: 2023-02-23. Review status: criteria provided, single submitter. Criteria: Invitae Variant Classification Sherloc (09022015). Collection method: clinical testing. Allele origin: germline.
Comment: An algorithm developed to predict the effect of missense changes on protein structure and function (PolyPhen-2) suggests that this variant is likely to be tolerated. In summary, the available evidence is currently insufficient to determine the role of this variant in disease. Therefore, it has been classified as a Variant of Uncertain Significance. This variant has not been reported in the literature in individuals affected with ERBIN-related conditions. This variant is not present in population databases (gnomAD no frequency). This sequence change replaces threonine, which is neutral and polar, with proline, which is neutral and non-polar, at codon 990 of the ERBIN protein (p.Thr990Pro).